The following is an entry in ClinVar:

ClinVar aggregate classification (germline): Conflicting classifications of pathogenicity. Review status: criteria provided, conflicting classifications (1 of 4 stars). 5 submissions from 5 submitters: Uncertain significance (2); Benign (1); Likely benign (1). 1 of the submissions does not count toward it. Last evaluated 2026-08-17.

Conditions:
Primary pulmonary hypertension. Also called: Idiopathic pulmonary hypertension. Identifiers: MedGen C0152171.
BMPR2-related disorder. Also called: BMPR2-related condition; BMPR2-related disorders.
Pulmonary arterial hypertension. Identifiers: Orphanet 182090, MedGen C2973725, MeSH D000081029, MONDO:0015924, HP:0002092.
Pulmonary arterial hypertension associated with HIV infection. Identifiers: Orphanet 275808, MedGen C3697673, MONDO:0017153.
Pulmonary arterial hypertension associated with another disease. Identifiers: Orphanet 275791, MedGen C5679756, MONDO:0017150.

Allele frequency attached by ClinVar (database versions not stated): ExAC 0.00009; gnomAD 0.00029 and 0.00031; TOPMed 0.00040; ESP Exome Variant Server 0.00046.
gnomAD v4.1: 90 of 1,614,098 alleles (0.0056%); highest among the groups gnomAD compares: African/African-American, 0.08%; no homozygotes.

Submissions (5):

PreventionGenetics, part of Exact Sciences
Classification: Uncertain significance for BMPR2-related condition. Last evaluated: 2026-08-17. Review status: criteria provided, single submitter. Criteria: ACMG Guidelines, 2015. Collection method: clinical testing. Allele origin: germline.
Comment: The BMPR2 c.2140G>T variant is predicted to result in the amino acid substitution p.Ala714Ser. This variant was reported in an individual with pulmonary arterial hypertension (Supplemental Table S3, Zhu et al 2019. PubMed ID: 31727138). This variant is reported in 0.10% of alleles in individuals of African descent in gnomAD. At this time, the clinical significance of this variant is uncertain due to the absence of conclusive functional and genetic evidence.

ARUP Laboratories, Molecular Genetics and Genomics, ARUP Laboratories
Classification: Likely benign. Last evaluated: 2025-04-23. Review status: criteria provided, single submitter. Criteria: ARUP Molecular Germline Variant Investigation Process 2024. Collection method: clinical testing. Allele origin: germline.

Labcorp Genetics (formerly Invitae), Labcorp
Classification: Benign for Primary pulmonary hypertension. Last evaluated: 2024-02-15. Review status: criteria provided, single submitter. Criteria: Invitae Variant Classification Sherloc (09022015). Collection method: clinical testing. Allele origin: germline.

Department of Pathology and Laboratory Medicine, Sinai Health System
Classification: Uncertain significance for pulmonary arterial hypertension. Last evaluated: 2022-03-16. Review status: criteria provided, single submitter. Criteria: ACMG Guidelines, 2015. Collection method: research. Allele origin: germline.

Wendy Chung Laboratory, Boston Children's Hospital
No classification provided. Condition: Pulmonary arterial hypertension associated with HIV infection. Review status: no classification provided. Collection method: literature only. Allele origin: germline. Affected: yes. Not counted in ClinVar's aggregate classification.

Literature cited by the submitters: PubMed 31727138 (cited by Wendy Chung Laboratory, Boston Children's Hospital).

NM_001204.7(BMPR2):c.2140G>T (p.Ala714Ser)

Gene: BMPR2 (bone morphogenetic protein receptor type 2; plus strand). Cytogenetic location: 2q33.2.
Variant type: single nucleotide variant.
Coding change: c.2140G>T on transcript NM_001204.7 (MANE Select); coding-DNA position 2140, G replaced by T.
Protein change: p.Ala714Ser; replaces alanine 714 with serine.
Molecular consequence: missense variant.
Genome position (GRCh38, 1-based): chr2:202,555,805, G>T. VCF-style: chr2-202555805-G-T. GRCh37 (hg19) VCF-style: chr2-203420528-G-T.
Other names: c.2140G>T (NM_001204.6); short protein forms A714S.
Identifiers: ClinVar variation 1339416 (VCV001339416.14), dbSNP rs149067277, ClinGen allele CA2061495.